The following is an entry in ClinVar:

ClinVar aggregate classification (germline): Uncertain significance (1 of 4 stars; one submission).

Conditions:
Primary ciliary dyskinesia. Also called: Ciliary dyskinesia. Identifiers: Orphanet 244, MedGen C0008780, MONDO:0016575, HP:0012265.

Allele frequency attached by ClinVar (database versions not stated): gnomAD exomes below 0.00001; gnomAD 0.00001; TOPMed 0.00001.

Submission:

Labcorp Genetics (formerly Invitae), Labcorp
Classification: Uncertain significance for Primary ciliary dyskinesia. Last evaluated: 2019-06-06. Review status: criteria provided, single submitter. Criteria: Invitae Variant Classification Sherloc (09022015). Collection method: clinical testing. Allele origin: germline.
Comment: This sequence change falls in intron 2 of the CCDC114 gene. It does not directly change the encoded amino acid sequence of the CCDC114 protein, but it affects a nucleotide within the consensus splice site of the intron. This variant is not present in population databases (ExAC no frequency). This variant has not been reported in the literature in individuals with CCDC114-related conditions. Nucleotide substitutions within the consensus splice site are a relatively common cause of aberrant splicing (PMID: 17576681, 9536098). Algorithms developed to predict the effect of sequence changes on RNA splicing suggest that this variant may disrupt the consensus splice site, but this prediction has not been confirmed by published transcriptional studies. In summary, the available evidence is currently insufficient to determine the role of this variant in disease. Therefore, it has been classified as a Variant of Uncertain Significance.

Literature cited by the submitters: PubMed 17576681; PubMed 9536098.

NM_001364171.2(ODAD1):c.170+3G>C

Gene: ODAD1 (outer dynein arm docking complex subunit 1; minus strand). Cytogenetic location: 19q13.33.
Variant type: single nucleotide variant.
Coding change: c.170+3G>C on transcript NM_001364171.2 (MANE Select); 3 bases into the intron after coding-DNA position 170, G replaced by C.
Molecular consequence: intron variant.
Genome position (GRCh38, 1-based): chr19:48,318,710, C>G on the plus strand (G>C on the coding strand, the complement: ODAD1 is on the minus strand). VCF-style: chr19-48318710-C-G. GRCh37 (hg19) VCF-style: chr19-48821967-C-G.
Other names: c.59+3G>C (NM_144577.4).
Identifiers: ClinVar variation 945995 (VCV000945995.8), dbSNP rs1968966704, ClinGen allele CA996586507.